The following is an entry in ClinVar:

ClinVar aggregate classification (germline): Likely benign. Review status: criteria provided, multiple submitters, no conflicts (2 of 4 stars). 3 submissions from 3 submitters: Likely benign (2). 1 of the submissions does not count toward it. Last evaluated 2026-09-01.

Conditions:
USP7-related disorder. Also called: USP7-related condition.

Allele frequency attached by ClinVar (database versions not stated): 1000 Genomes Project 30x 0.00062; gnomAD 0.00064; TOPMed 0.00066; ExAC 0.00070; 1000 Genomes Project 0.00080; ESP Exome Variant Server 0.00100.
gnomAD v4.1: 1,165 of 1,613,742 alleles (0.072%); highest among the groups gnomAD compares: Admixed American, 0.1%; 1 homozygote.

Submissions (3):

CeGaT Center for Human Genetics Tuebingen
Classification: Likely benign. Last evaluated: 2026-09-01. Review status: criteria provided, single submitter. Criteria: CeGaT Center For Human Genetics Tuebingen Variant Classification Criteria Version 2. Collection method: clinical testing. Allele origin: germline. Affected: yes. Observed: 2 variant alleles.
Comment: USP7: BS1

Labcorp Genetics (formerly Invitae), Labcorp
Classification: Likely benign. Last evaluated: 2025-10-29. Review status: criteria provided, single submitter. Criteria: Invitae Variant Classification Sherloc (09022015). Collection method: clinical testing. Allele origin: germline.

PreventionGenetics, part of Exact Sciences
Classification: Likely benign for USP7-related condition. Last evaluated: 2022-02-09. Review status: no assertion criteria provided. Collection method: clinical testing. Allele origin: germline. Not counted in ClinVar's aggregate classification.
Comment: This variant is classified as likely benign based on ACMG/AMP sequence variant interpretation guidelines (Richards et al. 2015 PMID: 25741868, with internal and published modifications).

NM_003470.3(USP7):c.2812A>C (p.Lys938Gln)

Gene: USP7 (ubiquitin specific peptidase 7; minus strand). Cytogenetic location: 16p13.2.
Variant type: single nucleotide variant.
Coding change: c.2812A>C on transcript NM_003470.3 (MANE Select); coding-DNA position 2812, A replaced by C.
Protein change: p.Lys938Gln; replaces lysine 938 with glutamine.
Molecular consequence: missense variant. On other transcripts: non-coding transcript variant (1).
Genome position (GRCh38, 1-based): chr16:8,897,006, T>G on the plus strand (A>C on the coding strand, the complement: USP7 is on the minus strand). VCF-style: chr16-8897006-T-G. GRCh37 (hg19) VCF-style: chr16-8990863-T-G.
Other names: c.2764A>C, p.Lys922Gln (NM_001286457.2); c.2515A>C, p.Lys839Gln (NM_001286458.2); c.2638A>C, p.Lys880Gln (NM_001321858.2); c.2812A>C (NM_003470.2); short protein forms K922Q, K880Q, K938Q, K839Q.
Identifiers: ClinVar variation 2046542 (VCV002046542.29), dbSNP rs144102588, ClinGen allele CA7894899.